The following continues an entry in ClinVar:

NM_000071.3(CBS):c.1224-2A>C

Gene: CBS. ClinVar aggregate classification (germline): Pathogenic. Pathogenic (14).

Submissions 13 to 18 of 18:

Women's Health and Genetics/Laboratory Corporation of America, LabCorp
Classification: Pathogenic for Homocystinuria. Last evaluated: 2017-03-27. Review status: criteria provided, single submitter. Criteria: LabCorp Variant Classification Summary - May 2015. Collection method: clinical testing. Allele origin: germline.
Comment: Variant summary: The CBS c.1224-2A>C variant (alternatively also known as IVS11-2A>C) involves the alteration of a highly conserved intronic nucleotide in the canonical splice acceptor site in intron 13, and is expected to cause aberrant gene splicing. 5/5 splice prediction tools also predict abrogation of the splice acceptor site. Consistent to these predictions, this variant is shown to cause exon skipping resulting in an in-frame deletion of exon 12 (amino acids W408 to G453) (Kozick_1992); exon 12 is involved in encoding the CBS domain of the protein (InterPro). In addition, expression of this variant in bacterial (E. coli) system shows that this variant not only leads to abrogation of catalytic activity, but also non-responsiveness to chaperones used to treat the CBS deficiency (Orendac _2004, Kopecka_2011). This variant was found in 7/45474 control chromosomes from ExAC at a frequency of 0.0001539, which does not exceed the estimated maximal expected allele frequency of a pathogenic CBS variant (0.0030414). This variant has been reported in several patients with CBS deficiency in homozygous as well as compound heterozygous with other pathogenic or potentially pathogenic variants including evidence of cosegregation with disease. It is predominantly found in patients from Central Europe, where it has been found on in average 14% of mutant alleles with evidence of founder effect (Linnebank_2004). Available patient and functional data indicate that this variant is likely a severe mutation. Multiple clinical diagnostic laboratories/reputable databases have classified this variant as pathogenic. Taken together, this variant is classified as Pathogenic.

Eurofins Ntd Llc (ga)
Classification: Pathogenic. Last evaluated: 2015-06-02. Review status: criteria provided, single submitter. Criteria: EGL Classification Definitions 2015. Collection method: clinical testing. Allele origin: germline. Observed: 2 variant alleles, 2 heterozygotes.

PreventionGenetics, part of Exact Sciences
Classification: Pathogenic for CBS-related condition. Last evaluated: 2024-05-16. Review status: no assertion criteria provided. Collection method: clinical testing. Allele origin: germline. Not counted in ClinVar's aggregate classification.
Comment: The CBS c.1224-2A>C variant is predicted to disrupt the AG splice acceptor site and interfere with normal splicing. This variant has been reported in the homozygous state or with a second CBS variant in individuals with homocystinuria, and has been shown to cause skipping of exon 14 (Kozich et al. 1992. PubMed ID: 1301198; Linnebank et al. 2004. PubMed ID: 15365998; Kopecká et al. 2010. PubMed ID: 20490928). In at least one individual, this variant was shown by family segregation studies to be on the opposite allele as a known pathogenic variant in CBS (Kozich et al. 1992. PubMed ID: 1301198). This variant is reported in 0.14% of alleles in individuals of Ashkenazi Jewish descent in gnomAD. Variants that disrupt the consensus splice acceptor site in CBS are expected to be pathogenic. This variant is interpreted as pathogenic.

OMIM
Classification: Pathogenic for HOMOCYSTINURIA, PYRIDOXINE-RESPONSIVE. Last evaluated: 1992-01-01. Review status: no assertion criteria provided. Collection method: literature only. Allele origin: germline. Not counted in ClinVar's aggregate classification.

Child Health and Human Development Program, Research Institute of the McGill University Health Center
Classification: Pathogenic for Classic homocystinuria. Review status: no assertion criteria provided. Collection method: clinical testing. Allele origin: unknown. Inheritance: Autosomal recessive inheritance. Affected: yes. Observed: 2 variant alleles, 2 compound heterozygotes. Not counted in ClinVar's aggregate classification.
Comment: Clinical characteristics in both patients included lens dislocation and elevated fasting homocysteine. Patients had no intellectual impairment and do not respond to treatment with vitamin B6.

Dr. Peter K. Rogan Lab, Western University
No classification provided (evidence only). Condition: Hepatocellular carcinoma. Review status: no classification provided. Collection method: in vitro. Allele origin: not applicable. Functional consequence: skipped exon, retained intron. Not counted in ClinVar's aggregate classification.

Literature cited by the submitters: PubMed 1301198 (cited by 4 submitters); PubMed 11359213 (cited by Labcorp Genetics (formerly Invitae), Labcorp and Illumina Laboratory Services, Illumina); PubMed 15146473 (cited by Labcorp Genetics (formerly Invitae), Labcorp and Illumina Laboratory Services, Illumina); PubMed 15365998 (cited by 4 submitters); PubMed 20567906 (cited by Labcorp Genetics (formerly Invitae), Labcorp and Illumina Laboratory Services, Illumina); PubMed 20490928 (cited by 3 submitters); PubMed 20506325 (cited by Labcorp Genetics (formerly Invitae), Labcorp and Myriad Genetics, Inc.); PubMed 24211323 (cited by Illumina Laboratory Services, Illumina); PubMed 25218699 (cited by Illumina Laboratory Services, Illumina).